The following is an entry in ClinVar:

ClinVar aggregate classification (germline): Likely pathogenic (1 of 4 stars; one submission).

Conditions:
Duchenne muscular dystrophy (DMD). Also called: Duchenne Muscular Dystrophy (DMD); MUSCULAR DYSTROPHY, PSEUDOHYPERTROPHIC PROGRESSIVE, DUCHENNE TYPE. Identifiers: Orphanet 98896, MedGen C0013264, MONDO:0010679, OMIM 310200.

Submission:

Labcorp Genetics (formerly Invitae), Labcorp
Classification: Likely pathogenic for Duchenne muscular dystrophy. Last evaluated: 2021-12-07. Review status: criteria provided, single submitter. Criteria: Invitae Variant Classification Sherloc (09022015). Collection method: clinical testing. Allele origin: germline.
Comment: In summary, the currently available evidence indicates that the variant is pathogenic, but additional data are needed to prove that conclusively. Therefore, this variant has been classified as Likely Pathogenic. A similar copy number variant has been observed in individual(s) with clinical features of Duchenne muscular dystrophy (Invitae). This variant results in a copy number gain of the genomic region encompassing exon(s) 2-13 of the DMD gene. While the exact position of this variant cannot be determined from the data, sub-genic copy number gains are generally in tandem (PMID: 25640679). This variant is predicted to be out-of-frame, and may result in an absent or disrupted protein product. Loss-of-function variants in DMD are known to be pathogenic (PMID: 16770791, 25007885).

Literature cited by the submitters: PubMed 25640679; PubMed 16770791; PubMed 25007885.

NC_000023.10:g.(?_32600728)_(33038337_?)dup

Gene: DMD (dystrophin; minus strand). Cytogenetic location: Xp21.1.
Variant type: Duplication.
Identifiers: ClinVar variation 2424959 (VCV002424959.5).